The following is an entry in ClinVar:

ClinVar aggregate classification (germline): Uncertain significance. Review status: criteria provided, multiple submitters, no conflicts (2 of 4 stars). 4 submissions from 4 submitters: Uncertain significance (3). 1 of the submissions does not count toward it. Last evaluated 2025-09-01.

Conditions:
Inborn genetic diseases. Identifiers: MedGen C0950123, MeSH D030342.
Usher syndrome type 1 (USH1). Also called: RETINITIS PIGMENTOSA AND CONGENITAL DEAFNESS. Identifiers: Orphanet 231169, Orphanet 886, MedGen C1568247, MONDO:0010168, OMIM 276900.

Allele frequency attached by ClinVar (database versions not stated): gnomAD exomes 0.00004; TOPMed 0.00004; ExAC 0.00005; gnomAD 0.00005.
gnomAD v4.1: 55 of 1,613,932 alleles (0.0034%); highest among the groups gnomAD compares: South Asian, 0.022%; no homozygotes.

Submissions (4):

Ambry Genetics
Classification: Uncertain significance for Inborn genetic diseases. Last evaluated: 2025-09-01. Review status: criteria provided, single submitter. Criteria: Ambry Variant Classification Scheme 2023. Collection method: clinical testing. Allele origin: germline.

Blueprint Genetics
Classification: Uncertain significance. Last evaluated: 2023-03-30. Review status: criteria provided, single submitter. Criteria: ACMG Guidelines, 2015. Collection method: clinical testing. Allele origin: germline.

Labcorp Genetics (formerly Invitae), Labcorp
Classification: Uncertain significance. Last evaluated: 2022-09-06. Review status: criteria provided, single submitter. Criteria: Invitae Variant Classification Sherloc (09022015). Collection method: clinical testing. Allele origin: germline.
Comment: This sequence change replaces valine, which is neutral and non-polar, with methionine, which is neutral and non-polar, at codon 2372 of the CDH23 protein (p.Val2372Met). This variant is present in population databases (rs550770402, gnomAD 0.02%). This variant has not been reported in the literature in individuals affected with CDH23-related conditions. ClinVar contains an entry for this variant (Variation ID: 965036). Algorithms developed to predict the effect of missense changes on protein structure and function are either unavailable or do not agree on the potential impact of this missense change (SIFT: "Deleterious"; PolyPhen-2: "Not Available"; Align-GVGD: "Class C15"). In summary, the available evidence is currently insufficient to determine the role of this variant in disease. Therefore, it has been classified as a Variant of Uncertain Significance.

Natera, Inc.
Classification: Uncertain significance for Usher syndrome type 1. Last evaluated: 2020-04-17. Review status: no assertion criteria provided. Collection method: clinical testing. Allele origin: germline. Not counted in ClinVar's aggregate classification.

NM_022124.6(CDH23):c.7114G>A (p.Val2372Met)

Gene: CDH23 (cadherin related 23; plus strand). Cytogenetic location: 10q22.1.
Variant type: single nucleotide variant.
Coding change: c.7114G>A on transcript NM_022124.6 (MANE Select); coding-DNA position 7114, G replaced by A.
Protein change: p.Val2372Met; replaces valine 2372 with methionine.
Molecular consequence: missense variant.
Genome position (GRCh38, 1-based): chr10:71,799,170, G>A. VCF-style: chr10-71799170-G-A. GRCh37 (hg19) VCF-style: chr10-73558927-G-A.
Other names: c.394G>A, p.Val132Met (NM_001171933.1, NM_001171934.1); short protein forms V2372M, V132M.
Identifiers: ClinVar variation 965036 (VCV000965036.6), dbSNP rs550770402, ClinGen allele CA5546267.
Genomic context (GRCh38, chr10:71,799,170, plus strand): 5'-GGGAAGGTCATTGCCAACCGGACAGTGGACTACGAGGAGGTGCACTGGCTCAACTTTACC[G>A]TGAGGGCCTCAGACAACGGGTCCCCGCCCCGGGCAGCTGAGATCCCTGTCTACCTGGAAA-3'
Protein context (NP_071407.4, residues 2362-2382): YEEVHWLNFT[Val2372Met]RASDNGSPPR